The following is an entry in ClinVar:

ClinVar aggregate classification (germline): Benign/Likely benign. Review status: criteria provided, multiple submitters, no conflicts (2 of 4 stars). 4 submissions from 4 submitters: Benign (1); Likely benign (3). Last evaluated 2026-02-04.

Conditions:
Inborn genetic diseases. Identifiers: MedGen C0950123, MeSH D030342.
Charcot-Marie-Tooth disease dominant intermediate B (CMTDIB). Also called: CHARCOT-MARIE-TOOTH NEUROPATHY, DOMINANT INTERMEDIATE B; Charcot-Marie-Tooth disease dominant intermediate 1; CMT DI1; Charcot-Marie-Tooth disease dominant intermediate I. Identifiers: Orphanet 100044, Orphanet 228179, MedGen C1847902, MONDO:0011674, OMIM 606482.

Submissions (4):

Women's Health and Genetics/Laboratory Corporation of America, LabCorp
Classification: Likely benign. Last evaluated: 2026-02-04. Review status: criteria provided, single submitter. Criteria: LabCorp Variant Classification Summary - May 2015. Collection method: clinical testing. Allele origin: germline.
Comment: Variant summary: DNM2 c.1782-5dupC alters a non-conserved nucleotide located at a position not widely known to affect splicing. Consensus agreement among computation tools predict no significant impact on normal splicing. However, these predictions have yet to be confirmed by functional studies. The frequency data for this variant in gnomAD is considered unreliable, as metrics indicate poor data quality at this position. To our knowledge, no occurrence of c.1782-5dupC in individuals affected with DNM2-related conditions and no experimental evidence demonstrating its impact on protein function have been reported. ClinVar contains an entry for this variant (Variation ID: 420690). Based on the evidence outlined above, the variant was classified as likely benign.

Labcorp Genetics (formerly Invitae), Labcorp
Classification: Benign for Charcot-Marie-Tooth disease dominant intermediate B. Last evaluated: 2025-11-17. Review status: criteria provided, single submitter. Criteria: Invitae Variant Classification Sherloc (09022015). Collection method: clinical testing. Allele origin: germline.

GeneDx
Classification: Likely benign. Last evaluated: 2023-07-06. Review status: criteria provided, single submitter. Criteria: GeneDx Variant Classification Process June 2021. Collection method: clinical testing. Allele origin: germline. Affected: yes.
Comment: See Variant Classification Assertion Criteria.

Ambry Genetics
Classification: Likely benign for Inborn genetic diseases. Last evaluated: 2023-03-09. Review status: criteria provided, single submitter. Criteria: Ambry Variant Classification Scheme 2023. Collection method: clinical testing. Allele origin: germline.

NM_001005361.3(DNM2):c.1782-5dup

Gene: DNM2 (dynamin 2; plus strand). Cytogenetic location: 19p13.2.
Variant type: Duplication.
Coding change: c.1782-5dup on transcript NM_001005361.3 (MANE Select); 5 bases into the intron before coding-DNA position 1782, one base duplicated (C; older notation c.1782-5dupC).
Molecular consequence: intron variant.
Genome position (GRCh38, 1-based): chr19:10,823,783, C duplicated; the last of 7 consecutive C bases (chr19:10,823,777-10,823,783); duplicating any one gives the same sequence. VCF-style (leftmost placement, unchanged base first): chr19-10823776-A-AC. GRCh37 (hg19) VCF-style: chr19-10934452-A-AC.
Other names: c.1782-5dupC (NM_001005360.2, NM_001005360.3); c.1782-5dup (NM_001005360.3, NM_001190716.2); c.1770-5dup (NM_004945.4, NM_001005362.3).
Identifiers: ClinVar variation 420690 (VCV000420690.13), dbSNP rs760441017, ClinGen allele CA9201401.